The following is an entry in ClinVar:

NM_002979.5(SCP2):c.511A>G (p.Met171Val)

Gene: SCP2 (sterol carrier protein 2; plus strand). Cytogenetic location: 1p32.3.
Variant type: single nucleotide variant.
Coding change: c.511A>G on transcript NM_002979.5 (MANE Select); coding-DNA position 511, A replaced by G.
Protein change: p.Met171Val; replaces methionine 171 with valine.
Molecular consequence: missense variant.
Genome position (GRCh38, 1-based): chr1:52,961,617, A>G. VCF-style: chr1-52961617-A-G. GRCh37 (hg19) VCF-style: chr1-53427289-A-G.
Other names: c.379A>G, p.Met127Val (NM_001007098.3, NM_001193600.2); c.439A>G, p.Met147Val (NM_001193599.2); c.268A>G, p.Met90Val (NM_001193617.2); c.511A>G, p.Met171Val (NM_001330587.2); c.511A>G (NM_002979.4); short protein forms M171V, M127V, M147V, M90V.
Identifiers: ClinVar variation 1508141 (VCV001508141.4), dbSNP rs766999080, ClinGen allele CA857127.
Genomic context (GRCh38, chr1:52,961,617, plus strand): 5'-TATGGATTGTCTGCTCACCCAGTTGCTCCTCAGATGTTTGGGTATGCTGGAAAAGAACAT[A>G]TGGAAAAATATGGTATGTTACAGTTAAAAAACTTTGAGGCTTCTTACTAGTTATATACAT-3'
Protein context (NP_002970.2, residues 161-181): QMFGYAGKEH[Met171Val]EKYGTKIEHF

ClinVar aggregate classification (germline): Uncertain significance. Review status: criteria provided, multiple submitters, no conflicts (2 of 4 stars). 2 submissions from 2 submitters: Uncertain significance (2). Last evaluated 2025-11-20.

Allele frequency attached by ClinVar (database versions not stated): TOPMed 0.00002; ExAC 0.00001; gnomAD exomes 0.00001.

Submissions (2):

Ambry Genetics
Classification: Uncertain significance. Last evaluated: 2025-11-20. Review status: criteria provided, single submitter. Criteria: Ambry Variant Classification Scheme 2023. Collection method: clinical testing. Allele origin: germline.

Labcorp Genetics (formerly Invitae), Labcorp
Classification: Uncertain significance. Last evaluated: 2021-10-22. Review status: criteria provided, single submitter. Criteria: Invitae Variant Classification Sherloc (09022015). Collection method: clinical testing. Allele origin: germline.
Comment: This sequence change replaces methionine with valine at codon 171 of the SCP2 protein (p.Met171Val). The methionine residue is highly conserved and there is a small physicochemical difference between methionine and valine. This variant is present in population databases (rs766999080, ExAC 0.002%). This variant has not been reported in the literature in individuals affected with SCP2-related conditions. Algorithms developed to predict the effect of missense changes on protein structure and function are either unavailable or do not agree on the potential impact of this missense change (SIFT: "Deleterious"; PolyPhen-2: "Benign"; Align-GVGD: "Class C15"). In summary, the available evidence is currently insufficient to determine the role of this variant in disease. Therefore, it has been classified as a Variant of Uncertain Significance.